The following is an entry in ClinVar:

ClinVar aggregate classification (germline): Pathogenic. Review status: criteria provided, single submitter (1 of 4 stars). 2 submissions from 2 submitters: Pathogenic (1). 1 of the submissions does not count toward it. Last evaluated 2025-08-13.

Conditions:
Amelogenesis imperfecta type 1G (AI1G). Also called: AMELOGENESIS IMPERFECTA, TYPE IG; Amelogenesis imperfecta hypoplastic type, IG; Amelogenesis imperfecta and nephrocalcinosis; AMELOGENESIS IMPERFECTA, HYPOPLASTIC, AND NEPHROCALCINOSIS; ENAMEL-RENAL-GINGIVAL SYNDROME; AMELOGENESIS IMPERFECTA, HYPOPLASTIC, WITH NEPHROCALCINOSIS. Identifiers: Orphanet 1031, Orphanet 171836, MedGen C2931783, MONDO:0008771, OMIM 204690. Disease mechanism: loss of function.

Submissions (2):

Clinical Genetics Laboratory, Region Ostergotland
Classification: Pathogenic for Amelogenesis imperfecta type 1G. Last evaluated: 2025-08-13. Review status: criteria provided, single submitter. Criteria: ACMG Guidelines, 2015. Collection method: clinical testing. Allele origin: germline. Affected: yes.
Comment: The NM_017565.4:c.720-2A>G variant in gene FAM20A is not found in population database (no frequency gnomAD v4.1.0). The variant is present in trans with a second variant (in house data). The following ACMG/AMP criteria were applied in classifying this variant: PVS1, PM2, PP4

OMIM
Classification: Pathogenic for AMELOGENESIS IMPERFECTA, TYPE IG. Last evaluated: 2014-01-01. Review status: no assertion criteria provided. Collection method: literature only. Allele origin: germline. Not counted in ClinVar's aggregate classification.

Literature cited by the submitters: PubMed 24196488 (cited by OMIM).

NM_017565.4(FAM20A):c.720-2A>G

Genes: FAM20A (FAM20A golgi associated secretory pathway pseudokinase; minus strand), PRKAR1A (protein kinase cAMP-dependent type I regulatory subunit alpha; plus strand). Cytogenetic location: 17q24.2.
Variant type: single nucleotide variant.
Coding change: c.720-2A>G on transcript NM_017565.4 (MANE Select); the canonical splice acceptor site of the intron before coding-DNA position 720, A replaced by G.
Molecular consequence: splice acceptor variant. On other transcripts: intron variant (1).
Genome position (GRCh38, 1-based): chr17:68,543,723, T>C on the plus strand (A>G on the coding strand, the complement: FAM20A is on the minus strand). VCF-style: chr17-68543723-T-C. GRCh37 (hg19) VCF-style: chr17-66539864-T-C.
Other names: IVS4AS, A-G, -2; c.974-7361T>C (NM_001276290.1); c.306-2A>G (NM_001243746.2).
Identifiers: ClinVar variation 139648 (VCV000139648.6), dbSNP rs587777530, ClinGen allele CA163384.